The following is an entry in ClinVar:

NM_000059.4(BRCA2):c.865A>G (p.Asn289Asp)

Gene: BRCA2 (BRCA2 DNA repair associated; plus strand). Cytogenetic location: 13q13.1.
Variant type: single nucleotide variant.
Coding change: c.865A>G on transcript NM_000059.4 (MANE Select); coding-DNA position 865, A replaced by G.
Protein change: p.Asn289Asp; replaces asparagine 289 with aspartic acid.
Molecular consequence: missense variant.
Genome position (GRCh38, 1-based): chr13:32,332,343, A>G. VCF-style: chr13-32332343-A-G. GRCh37 (hg19) VCF-style: chr13-32906480-A-G.
Other names: 1093A>G; short protein forms N289D.
Identifiers: ClinVar variation 38176 (VCV000038176.48), dbSNP rs766173, ClinGen allele CA025766.

ClinVar aggregate classification (germline): Conflicting classifications of pathogenicity. Review status: criteria provided, conflicting classifications (1 of 4 stars). 19 submissions from 19 submitters: Uncertain significance (4); Benign (1); Likely benign (10). 4 of the submissions do not count toward it. Last evaluated 2026-04-29.

Conditions:
Hereditary cancer-predisposing syndrome. Also called: Neoplastic Syndromes, Hereditary; Tumor predisposition; Hereditary Cancer Syndrome; Hereditary neoplastic syndrome. Identifiers: Orphanet 140162, MedGen C0027672, MeSH D009386, MONDO:0015356.
Breast and/or ovarian cancer. Identifiers: MedGen CN221562.
Hereditary breast ovarian cancer syndrome. Also called: Hereditary breast and ovarian cancer; Breast and ovarian cancer; Hereditary breast and/or ovarian cancer syndrome; Hereditary breast and ovarian cancer syndrome (HBOC); Hereditary breast and ovarian cancer syndrome; BRCA1- and BRCA2-Associated Hereditary Breast and Ovarian Cancer. Identifiers: Orphanet 145, MedGen C0677776, MeSH D061325, MONDO:0003582. Disease mechanism: loss of function.
Breast-ovarian cancer, familial, susceptibility to, 2 (BROVCA2). Also called: BRCA2 Hereditary Breast and Ovarian Cancer. Identifiers: Orphanet 145, MedGen C2675520, MONDO:0012933, OMIM 612555. Disease mechanism: loss of function.

gnomAD v4.1: 6 of 1,598,286 alleles (0.00038%); highest among the groups gnomAD compares: Middle Eastern, 0.017%; no homozygotes.

Submissions (19):

Myriad Genetics, Inc.
Classification: Benign for Breast-ovarian cancer, familial, susceptibility to, 2. Last evaluated: 2026-04-29. Review status: criteria provided, single submitter. Criteria: Myriad Autosomal Dominant, Autosomal Recessive and X-Linked Classification Criteria (2023). Collection method: clinical testing. Allele origin: unknown.
Comment: This variant is considered benign. This variant has been observed in conjunction with multiple pathogenic variants, reducing the likelihood this variant itself is pathogenic. This variant is strongly associated with less severe personal and family histories of cancer, typical for individuals without pathogenic variants in this gene [PMID: 25085752].

Labcorp Genetics (formerly Invitae), Labcorp
Classification: Likely benign for Hereditary breast ovarian cancer syndrome. Last evaluated: 2026-01-20. Review status: criteria provided, single submitter. Criteria: Invitae Variant Classification Sherloc (09022015). Collection method: clinical testing. Allele origin: germline.

Women's Health and Genetics/Laboratory Corporation of America, LabCorp
Classification: Likely benign. Last evaluated: 2025-12-26. Review status: criteria provided, single submitter. Criteria: LabCorp Variant Classification Summary - May 2015. Collection method: clinical testing. Allele origin: germline.
Comment: Variant summary: BRCA2 c.865A>G (p.Asn289Asp) results in a conservative amino acid change in the encoded protein sequence. Algorithms developed to predict the effect of missense changes on protein structure and function all suggest that this variant is likely to be tolerated. The variant allele was found at a frequency of 1.3e-05 in 314878 control chromosomes. The available data on variant occurrences in the general population are insufficient to allow any conclusion about variant significance. c.865A>G has been reported in the literature in individuals affected with Hereditary Breast And Ovarian Cancer Syndrome or other types of cancer (Wappenschmidt_2006, Cunningham_2014, Yang _2015, DArgenio_2015, Hu_2015, Tung_2015, Meisel_2017, Santonocito_2020, de Oliveira_2022). These reports do not provide unequivocal conclusions about association of the variant with Hereditary Breast And Ovarian Cancer Syndrome. Co-occurrences with one specific pathogenic variant (BRCA2 c.5864C>A, p.Ser1955X) have been reported in patients, providing supporting evidence for a benign role (kConFab data, BIC data, Internal data, Tung_2014). To our knowledge, no experimental evidence demonstrating an impact on protein function has been reported. The following publications have been ascertained in the context of this evaluation (PMID: 24504028, 25896959, 26483394, 28324225, 36243179, 32438681, 25186627, 26535628, 35534704). ClinVar contains an entry for this variant (Variation ID: 38176). Based on the evidence outlined above, the variant was classified as likely benign.

Quest Diagnostics Nichols Institute San Juan Capistrano
Classification: Uncertain significance. Last evaluated: 2025-05-16. Review status: criteria provided, single submitter. Criteria: Quest Diagnostics criteria. Collection method: clinical testing. Allele origin: unknown.
Comment: The BRCA2 c.865A>G (p.Asn289Asp) variant has been reported in the published literature in individuals with pancreatic cancer (PMID: 26483394 (2015)) and breast and/or ovarian cancer (PMIDs: 24504028 (2014), 25896959 (2015), 27165220 (2016), 28324225 (2017), 32284662 (2019), 32438681 (2020), 35402282 (2022)), as well as in reportedly unaffected individuals in a large scale breast cancer association study (PMID: 33471991 (2021), see also LOVD). In addition, this variant has been reported to co-occur with pathogenic BRCA2 c.5864C>A (p.Ser1955*) in multiple individuals (PMID: 25186627 (2015), BIC database). The frequency of this variant in the general population (Genome Aggregation Database) is uninformative in the assessment of its pathogenicity. Analysis of this variant using bioinformatics tools for the prediction of the effect of amino acid changes on protein structure and function yielded predictions that this variant is benign. Based on the available information, we are unable to determine the clinical significance of this variant.

CeGaT Center for Human Genetics Tuebingen
Classification: Uncertain significance. Last evaluated: 2025-04-01. Review status: criteria provided, single submitter. Criteria: CeGaT Center For Human Genetics Tuebingen Variant Classification Criteria Version 2. Collection method: clinical testing. Allele origin: germline. Affected: yes. Observed: 1 variant allele.
Comment: BRCA2: PM2, BP1, BP4

Blueprint Genetics
Classification: Likely benign. Last evaluated: 2024-11-20. Review status: criteria provided, single submitter. Criteria: ACMG Guidelines, 2015. Collection method: clinical testing. Allele origin: germline.

ARUP Laboratories, Molecular Genetics and Genomics, ARUP Laboratories
Classification: Likely benign. Last evaluated: 2024-09-18. Review status: criteria provided, single submitter. Criteria: ARUP Molecular Germline Variant Investigation Process 2024. Collection method: clinical testing. Allele origin: germline.

German Consortium for Hereditary Breast and Ovarian Cancer, University Hospital Cologne
Classification: Likely benign for Hereditary breast ovarian cancer syndrome. Last evaluated: 2024-08-13. Review status: criteria provided, single submitter. Criteria: ClinGen BRCA2 V1.1.0. Collection method: curation. Allele origin: germline.
Comment: According to the ClinGen ENIGMA BRCA2 v1.1.0 criteria we chose this criterion: BP1 (strong benign): (SpliceAI <=0.1)

University of Washington Department of Laboratory Medicine, University of Washington
Classification: Likely benign for Hereditary cancer-predisposing syndrome. Last evaluated: 2023-03-23. Review status: criteria provided, single submitter. Criteria: Dines et al. (Genet Med. 2020). Collection method: curation. Allele origin: germline.
Comment: Missense variant in a coldspot region where missense variants are very unlikely to be pathogenic (PMID:31911673).

BRCA2 exon 10 coldspot. Reclassification based on statistical prior probability.

Institute for Clinical Genetics, University Hospital TU Dresden, University Hospital TU Dresden
Classification: Uncertain significance. Last evaluated: 2021-11-03. Review status: criteria provided, single submitter. Criteria: ACMG Guidelines, 2015. Collection method: clinical testing. Allele origin: germline.

Sema4
Classification: Uncertain significance for Hereditary cancer-predisposing syndrome. Last evaluated: 2021-09-16. Review status: criteria provided, single submitter. Criteria: Sema4 Curation Guidelines. Collection method: curation. Allele origin: germline.
Comment: The BRCA2 c.865A>G (p.N289D) variant has been reported individuals with pancreatic cancer, breast cancer and ovarian cancer as well as unaffected controls (PMID: 26483394, 25186627, 32284662, 24504028, 32438681, 33471991). This variant was observed in 3/110406 chromosomes in the Non-Finnish European population according to the Genome Aggregation Database (PMID: 32461654). The variant has been reported in ClinVar (Variation ID 38176). Functional studies have not been performed, and in silico predictions of the variant's effect on protein function are inconclusive. The evidence is insufficient to meet ACMG/AMP criteria for classifying the variant as benign or pathogenic. Thus, the clinical significance of this variant is currently uncertain.

Color Diagnostics, LLC DBA Color Health
Classification: Likely benign for Hereditary cancer-predisposing syndrome. Last evaluated: 2021-06-03. Review status: criteria provided, single submitter. Criteria: ACMG Guidelines, 2015. Collection method: clinical testing. Allele origin: germline.

CHEO Genetics Diagnostic Laboratory, Children's Hospital of Eastern Ontario
Classification: Likely benign for Breast and/or ovarian cancer. Last evaluated: 2021-02-07. Review status: criteria provided, single submitter. Criteria: ACMG Guidelines, 2015. Collection method: clinical testing. Allele origin: germline.

GeneDx
Classification: Likely benign. Last evaluated: 2020-09-16. Review status: criteria provided, single submitter. Criteria: GeneDx Variant Classification Process June 2021. Collection method: clinical testing. Allele origin: germline. Affected: yes.
Comment: This variant is associated with the following publications: (PMID: 24853695, 26483394, 25896959, 24504028, 29258903, 28814288, 27165220, 28324225)

Ambry Genetics
Classification: Likely benign for Hereditary cancer-predisposing syndrome. Last evaluated: 2018-05-10. Review status: criteria provided, single submitter. Criteria: Ambry Variant Classification Scheme 2023. Collection method: clinical testing. Allele origin: germline.

Mayo Clinic Laboratories, Mayo Clinic
Classification: Uncertain significance. Last evaluated: 2017-12-20. Review status: no assertion criteria provided. Collection method: clinical testing. Allele origin: unknown. Not counted in ClinVar's aggregate classification.

Counsyl
Classification: Uncertain significance for Breast-ovarian cancer, familial, susceptibility to, 2. Last evaluated: 2016-02-19. Review status: no assertion criteria provided. Collection method: clinical testing. Allele origin: unknown. Not counted in ClinVar's aggregate classification.

Sharing Clinical Reports Project (SCRP)
Classification: Uncertain significance for Breast-ovarian cancer, familial 2. Last evaluated: 2008-07-02. Review status: no assertion criteria provided. Collection method: clinical testing. Allele origin: germline. Not counted in ClinVar's aggregate classification.

Breast Cancer Information Core (BIC) (BRCA2)
Classification: Uncertain significance for Breast-ovarian cancer, familial 2. Last evaluated: 2002-05-29. Review status: no assertion criteria provided. Collection method: clinical testing. Allele origin: germline. Affected: yes. Observed: 12 variant alleles. Not counted in ClinVar's aggregate classification.

Literature cited by the submitters: PubMed 25085752 (cited by Myriad Genetics, Inc.); PubMed 24504028 (cited by 4 submitters); PubMed 25896959 (cited by 3 submitters); PubMed 25186627 (cited by 4 submitters); PubMed 26483394 (cited by 3 submitters); PubMed 26535628 (cited by Women's Health and Genetics/Laboratory Corporation of America, LabCorp and Quest Diagnostics Nichols Institute San Juan Capistrano); PubMed 28324225 (cited by Women's Health and Genetics/Laboratory Corporation of America, LabCorp and Quest Diagnostics Nichols Institute San Juan Capistrano); PubMed 32438681 (cited by 3 submitters); PubMed 36243179 (cited by Women's Health and Genetics/Laboratory Corporation of America, LabCorp and Quest Diagnostics Nichols Institute San Juan Capistrano); PubMed 35534704 (cited by Women's Health and Genetics/Laboratory Corporation of America, LabCorp and Quest Diagnostics Nichols Institute San Juan Capistrano); PubMed 33471991 (cited by Quest Diagnostics Nichols Institute San Juan Capistrano and Sema4); PubMed 32284662 (cited by Quest Diagnostics Nichols Institute San Juan Capistrano and Sema4); PubMed 17922257 (cited by Quest Diagnostics Nichols Institute San Juan Capistrano); PubMed 35402282 (cited by Quest Diagnostics Nichols Institute San Juan Capistrano); PubMed 27165220 (cited by Quest Diagnostics Nichols Institute San Juan Capistrano).